The following is an entry in ClinVar:

ClinVar aggregate classification (germline): Uncertain significance (0 of 4 stars; one submission).

Submission:

Martin Pollak Laboratory,  Beth Israel Deaconess Medical Center
Classification: Uncertain significance. Review status: no assertion criteria provided. Collection method: not provided. Allele origin: unknown.
Comment: Higher UCa2+ group
ClinVar note: Converted during submission from unknown to Uncertain significance.

NM_000342.4(SLC4A1):c.1375C>T (p.Leu459=)

Gene: SLC4A1 (solute carrier family 4 member 1 (Diego blood group); minus strand). Cytogenetic location: 17q21.31.
Variant type: single nucleotide variant.
Coding change: c.1375C>T on transcript NM_000342.4 (MANE Select); coding-DNA position 1375, C replaced by T.
Protein change: p.Leu459=; no amino-acid change (leucine 459 retained).
Molecular consequence: synonymous variant.
Genome position (GRCh38, 1-based): chr17:44,257,715, G>A on the plus strand (C>T on the coding strand, the complement: SLC4A1 is on the minus strand). VCF-style: chr17-44257715-G-A. GRCh37 (hg19) VCF-style: chr17-42335083-G-A.
Identifiers: ClinVar variation 64421 (VCV000064421.2), dbSNP rs387907517, ClinGen allele CA216104.